The following is an entry in ClinVar:

NM_004473.4(FOXE1):c.107C>T (p.Thr36Met)

Gene: FOXE1 (forkhead box E1; plus strand). Cytogenetic location: 9q22.33.
Variant type: single nucleotide variant.
Coding change: c.107C>T on transcript NM_004473.4 (MANE Select); coding-DNA position 107, C replaced by T.
Protein change: p.Thr36Met; replaces threonine 36 with methionine.
Molecular consequence: missense variant.
Genome position (GRCh38, 1-based): chr9:97,854,021, C>T. VCF-style: chr9-97854021-C-T. GRCh37 (hg19) VCF-style: chr9-100616303-C-T.
Other names: short protein forms T36M.
Identifiers: ClinVar variation 4887547 (VCV004887547.1).

ClinVar aggregate classification (germline): Benign (1 of 4 stars; one submission).

gnomAD v4.1: 840 of 1,408,416 alleles (0.06%); highest among the groups gnomAD compares: African/African-American, 1.2%; 4 homozygotes.

Submission:

Women's Health and Genetics/Laboratory Corporation of America, LabCorp
Classification: Benign. Last evaluated: 2026-06-03. Review status: criteria provided, single submitter. Criteria: LabCorp Variant Classification Summary - May 2015. Collection method: clinical testing. Allele origin: germline.
Comment: Variant summary: FOXE1 c.107C>T (p.Thr36Met) results in a non-conservative amino acid change in the encoded protein sequence. Algorithms developed to predict the effect of missense changes on protein structure and function are either unavailable or do not agree on the potential impact of this missense change. The variant allele was found at a frequency of 0.0006 in 1408416 control chromosomes, predominantly at a frequency of 0.012 within the African or African-American subpopulation in the gnomAD database, including 4 homozygotes. The observed variant frequency within African or African-American control individuals in the gnomAD database exceeds the estimated maximal expected allele frequency for disease-causing variants in FOXE1. To our knowledge, no occurrence of c.107C>T in individuals affected with FOXE1-related conditions and no experimental evidence demonstrating its impact on protein function have been reported. No submitters have cited clinical-significance assessments for this variant to ClinVar. Based on the evidence outlined above, the variant was classified as benign.